The following is an entry in ClinVar:

ClinVar aggregate classification (germline): Pathogenic (1 of 4 stars; one submission).

Submission:

Labcorp Genetics (formerly Invitae), Labcorp
Classification: Pathogenic. Last evaluated: 2022-08-09. Review status: criteria provided, single submitter. Criteria: Invitae Variant Classification Sherloc (09022015). Collection method: clinical testing. Allele origin: germline.
Comment: This sequence change creates a premature translational stop signal (p.Lys3622Asnfs*17) in the ADGRV1 gene. It is expected to result in an absent or disrupted protein product. Loss-of-function variants in ADGRV1 are known to be pathogenic (PMID: 19357117, 22135276, 22147658, 26226137, 30718709, 31047384, 32467589). This variant is not present in population databases (gnomAD no frequency). This variant has not been reported in the literature in individuals affected with ADGRV1-related conditions. For these reasons, this variant has been classified as Pathogenic.

Literature cited by the submitters: PubMed 19357117; PubMed 22135276; PubMed 22147658; PubMed 26226137; PubMed 30718709; PubMed 31047384; PubMed 32467589.

NM_032119.4(ADGRV1):c.10866_10872del (p.Lys3622fs)

Gene: ADGRV1 (adhesion G protein-coupled receptor V1; plus strand). Cytogenetic location: 5q14.3.
Variant type: Deletion.
Coding change: c.10866_10872del on transcript NM_032119.4 (MANE Select); coding-DNA positions 10866 to 10872, 7 bases deleted (AGTTCAA; older notation c.10866_10872delAGTTCAA).
Protein change: p.Lys3622fs; shifts the reading frame from lysine 3622.
Molecular consequence: frameshift variant. On other transcripts: non-coding transcript variant (1).
Genome position (GRCh38, 1-based): chr5:90,745,687-90,745,693, AGTTCAA deleted; deleting any 7 consecutive bases within chr5:90,745,682-90,745,693 gives the same sequence; the c. name uses the placement nearest the transcript's 3' end. VCF-style (leftmost placement, unchanged base first): chr5-90745681-CTTCAAAG-C. GRCh37 (hg19) VCF-style: chr5-90041498-CTTCAAAG-C.
Other names: short protein forms K3622fs.
Identifiers: ClinVar variation 2021126 (VCV002021126.4), dbSNP rs2531546547, ClinGen allele CA2578359384.